The following is an entry in ClinVar:

ClinVar aggregate classification (germline): Uncertain significance. Review status: criteria provided, multiple submitters, no conflicts (2 of 4 stars). 3 submissions from 3 submitters: Uncertain significance (2). 1 of the submissions does not count toward it. Last evaluated 2026-06-25.

Conditions:
Retinitis pigmentosa 74 (RP74). Identifiers: Orphanet 791, MedGen C4225281, MONDO:0014692, OMIM 616562.
Bardet-Biedl syndrome 2 (BBS2). Identifiers: Orphanet 110, MedGen C2936863, MONDO:0014432, OMIM 615981.
BBS2-related disorder. Also called: BBS2-related disorders; BBS2-related condition. Identifiers: MedGen CN239228.

Allele frequency attached by ClinVar (database versions not stated): TOPMed 0.00001.

Submissions (3):

PreventionGenetics, part of Exact Sciences
Classification: Uncertain significance for BBS2-related condition. Last evaluated: 2026-06-25. Review status: criteria provided, single submitter. Criteria: ACMG Guidelines, 2015. Collection method: clinical testing. Allele origin: germline.
Comment: The BBS2 c.365C>T variant is predicted to result in the amino acid substitution p.Ala122Val. To our knowledge, this variant has not been reported in the literature or in a large population database (gnomAD), indicating this variant is rare. An in vivo functional assay of BBS2 polymorphisms suggests that this variant is deleterious through a dominant negative effect (Zaghloul et al. 2010. PubMed ID: 20498079). Although we suspect that this variant may be pathogenic, at this time, the clinical significance of this variant is uncertain due to the absence of conclusive functional and genetic evidence.

Fulgent Genetics
Classification: Uncertain significance for Bardet-Biedl syndrome 2; Retinitis pigmentosa 74. Last evaluated: 2021-11-27. Review status: criteria provided, single submitter. Criteria: ACMG Guidelines, 2015. Collection method: clinical testing. Allele origin: unknown.

Counsyl
Classification: Uncertain significance for Bardet-Biedl syndrome 2. Last evaluated: 2017-12-22. Review status: no assertion criteria provided. Collection method: clinical testing. Allele origin: unknown. Not counted in ClinVar's aggregate classification.

Literature cited by the submitters: PubMed 20498079 (cited by Counsyl).

NM_031885.5(BBS2):c.365C>T (p.Ala122Val)

Gene: BBS2 (Bardet-Biedl syndrome 2; minus strand). Cytogenetic location: 16q13.
Variant type: single nucleotide variant.
Coding change: c.365C>T on transcript NM_031885.5 (MANE Select); coding-DNA position 365, C replaced by T.
Protein change: p.Ala122Val; replaces alanine 122 with valine.
Molecular consequence: missense variant. On other transcripts: non-coding transcript variant (5).
Genome position (GRCh38, 1-based): chr16:56,511,265, G>A on the plus strand (C>T on the coding strand, the complement: BBS2 is on the minus strand). VCF-style: chr16-56511265-G-A. GRCh37 (hg19) VCF-style: chr16-56545177-G-A.
Other names: c.365C>T, p.Ala122Val (NM_001377456.1); short protein forms A122V.
Identifiers: ClinVar variation 555824 (VCV000555824.4), dbSNP rs17856449, ClinGen allele CA281484611.